The following is an entry in ClinVar:

NM_019098.5(CNGB3):c.1107T>A (p.Cys369Ter)

Gene: CNGB3 (cyclic nucleotide gated channel subunit beta 3; minus strand). Cytogenetic location: 8q21.3.
Variant type: single nucleotide variant.
Coding change: c.1107T>A on transcript NM_019098.5 (MANE Select); coding-DNA position 1107, T replaced by A.
Protein change: p.Cys369Ter; replaces cysteine 369 with a stop codon.
Molecular consequence: nonsense.
Genome position (GRCh38, 1-based): chr8:86,643,822, A>T on the plus strand (T>A on the coding strand, the complement: CNGB3 is on the minus strand). VCF-style: chr8-86643822-A-T. GRCh37 (hg19) VCF-style: chr8-87656050-A-T.
Other names: short protein forms C369*.
Identifiers: ClinVar variation 1726477 (VCV001726477.2), dbSNP rs2538098961, ClinGen allele CA371446850.

ClinVar aggregate classification (germline): Likely pathogenic (1 of 4 stars; one submission).

Conditions:
Achromatopsia 3 (ACHM3). Also called: PINGELAPESE BLINDNESS; TOTAL COLORBLINDNESS WITH MYOPIA; ROD MONOCHROMACY 1; ROD MONOCHROMATISM 1; ACHROMATOPSIA WITH MYOPIA. Identifiers: Orphanet 49382, MedGen C1849792, MONDO:0009875, OMIM 262300.

Submission:

Myriad Genetics, Inc.
Classification: Likely pathogenic for Achromatopsia 3. Last evaluated: 2022-02-04. Review status: criteria provided, single submitter. Criteria: Myriad Women's Health Autosomal Recessive and X-Linked Classification Criteria (2021). Collection method: clinical testing. Allele origin: unknown.
Comment: NM_019098.4(CNGB3):c.1107T>A(C369*) is expected to be pathogenic in the context of CNGB3-related achromatopsia. This variant is predicted to lead to an abnormal or absent protein product due to the creation of a premature termination codon in CNGB3, a gene where loss-of-function variants are known to be pathogenic. Please note: this variant was assessed in the context of healthy population screening.